The following is an entry in ClinVar:

ClinVar aggregate classification (germline): Uncertain significance (1 of 4 stars; one submission).

Conditions:
Nephronophthisis 14 (NPHP14). Identifiers: Orphanet 2318, MedGen C3539071, MONDO:0013916, OMIM 614844.

Allele frequency attached by ClinVar (database versions not stated): gnomAD exomes below 0.00001; ExAC 0.00001; gnomAD 0.00001; 1000 Genomes Project 30x 0.00016; 1000 Genomes Project 0.00020.
gnomAD v4.1: 16 of 1,613,984 alleles (0.00099%); highest among the groups gnomAD compares: East Asian, 0.033%; no homozygotes.

Submission:

Labcorp Genetics (formerly Invitae), Labcorp
Classification: Uncertain significance for Nephronophthisis 14. Last evaluated: 2022-08-10. Review status: criteria provided, single submitter. Criteria: Invitae Variant Classification Sherloc (09022015). Collection method: clinical testing. Allele origin: germline.
Comment: In summary, the available evidence is currently insufficient to determine the role of this variant in disease. Therefore, it has been classified as a Variant of Uncertain Significance. Variants that disrupt the consensus splice site are a relatively common cause of aberrant splicing (PMID: 17576681, 9536098). Algorithms developed to predict the effect of sequence changes on RNA splicing suggest that this variant is not likely to affect RNA splicing. ClinVar contains an entry for this variant (Variation ID: 1383647). This variant has not been reported in the literature in individuals affected with ZNF423-related conditions. The frequency data for this variant in the population databases is considered unreliable, as metrics indicate poor data quality at this position in the gnomAD database. This sequence change falls in intron 6 of the ZNF423 gene. It does not directly change the encoded amino acid sequence of the ZNF423 protein. It affects a nucleotide within the consensus splice site.

Literature cited by the submitters: PubMed 17576681; PubMed 9536098.

NM_001379286.1(ZNF423):c.3733+6G>C

Gene: ZNF423 (zinc finger protein 423; minus strand). Cytogenetic location: 16q12.1.
Variant type: single nucleotide variant.
Coding change: c.3733+6G>C on transcript NM_001379286.1 (MANE Select); 6 bases into the intron after coding-DNA position 3733, G replaced by C.
Molecular consequence: intron variant.
Genome position (GRCh38, 1-based): chr16:49,525,357, C>G on the plus strand (G>C on the coding strand, the complement: ZNF423 is on the minus strand). VCF-style: chr16-49525357-C-G. GRCh37 (hg19) VCF-style: chr16-49559268-C-G.
Other names: c.3709+6G>C (NM_015069.5); c.3358+6G>C (NM_001330533.2); c.3529+6G>C (NM_001271620.2).
Identifiers: ClinVar variation 1383647 (VCV001383647.6), dbSNP rs201541196, ClinGen allele CA8046222.